The following is an entry in ClinVar:

NM_002645.4(PIK3C2A):c.469A>G (p.Ile157Val)

Gene: PIK3C2A (phosphatidylinositol-4-phosphate 3-kinase catalytic subunit type 2 alpha; minus strand). Cytogenetic location: 11p15.1.
Variant type: single nucleotide variant.
Coding change: c.469A>G on transcript NM_002645.4 (MANE Select); coding-DNA position 469, A replaced by G.
Protein change: p.Ile157Val; replaces isoleucine 157 with valine.
Molecular consequence: missense variant. On other transcripts: intron variant (1).
Genome position (GRCh38, 1-based): chr11:17,169,273, T>C on the plus strand (A>G on the coding strand, the complement: PIK3C2A is on the minus strand). VCF-style: chr11-17169273-T-C. GRCh37 (hg19) VCF-style: chr11-17190820-T-C.
Other names: c.469A>G, p.Ile157Val (NM_001321378.2, NM_001386870.1); c.-75-13644A>G (NM_001321380.2); c.469A>G (NM_002645.2); short protein forms I157V.
Identifiers: ClinVar variation 2078062 (VCV002078062.2), dbSNP rs192377879, ClinGen allele CA5901568.

ClinVar aggregate classification (germline): Uncertain significance. Review status: criteria provided, multiple submitters, no conflicts (2 of 4 stars). 2 submissions from 2 submitters: Uncertain significance (2). Last evaluated 2024-08-01.

Allele frequency attached by ClinVar (database versions not stated): gnomAD exomes 0.00002; gnomAD 0.00003; ExAC 0.00004; 1000 Genomes Project 30x 0.00016; TOPMed 0.00017; 1000 Genomes Project 0.00020.
gnomAD v4.1: 35 of 1,614,102 alleles (0.0022%); highest among the groups gnomAD compares: Admixed American, 0.04%; no homozygotes.

Submissions (2):

Ambry Genetics
Classification: Uncertain significance. Last evaluated: 2024-08-01. Review status: criteria provided, single submitter. Criteria: Ambry Variant Classification Scheme 2023. Collection method: clinical testing. Allele origin: germline.

Labcorp Genetics (formerly Invitae), Labcorp
Classification: Uncertain significance. Last evaluated: 2022-02-15. Review status: criteria provided, single submitter. Criteria: Invitae Variant Classification Sherloc (09022015). Collection method: clinical testing. Allele origin: germline.
Comment: This sequence change replaces isoleucine, which is neutral and non-polar, with valine, which is neutral and non-polar, at codon 157 of the PIK3C2A protein (p.Ile157Val). This variant is present in population databases (rs192377879, gnomAD 0.03%). This variant has not been reported in the literature in individuals affected with PIK3C2A-related conditions. Experimental studies and prediction algorithms are not available or were not evaluated, and the functional significance of this variant is currently unknown. In summary, the available evidence is currently insufficient to determine the role of this variant in disease. Therefore, it has been classified as a Variant of Uncertain Significance.